The following is an entry in ClinVar:

ClinVar aggregate classification (germline): Likely pathogenic (1 of 4 stars; one submission).

Conditions:
Peroxisome biogenesis disorder. Identifiers: Orphanet 79189, MedGen C1832200, MONDO:0019234. Disease mechanism: loss of function.

Allele frequency attached by ClinVar (database versions not stated): TOPMed below 0.00001.

Submission:

Labcorp Genetics (formerly Invitae), Labcorp
Classification: Likely pathogenic for Peroxisome biogenesis disorder. Last evaluated: 2025-09-27. Review status: criteria provided, single submitter. Criteria: Invitae Variant Classification Sherloc (09022015). Collection method: clinical testing. Allele origin: germline.
Comment: This sequence change affects an acceptor splice site in intron 9 of the PEX16 gene. It is expected to disrupt RNA splicing. Variants that disrupt the donor or acceptor splice site typically lead to a loss of protein function (PMID: 16199547), and loss-of-function variants in PEX16 are known to be pathogenic (PMID: 9837814, 11890679, 20647552, 20681997). This variant is not present in population databases (gnomAD no frequency). This variant has not been reported in the literature in individuals affected with PEX16-related conditions. ClinVar contains an entry for this variant (Variation ID: 1480141). Algorithms developed to predict the effect of sequence changes on RNA splicing suggest that this variant may disrupt the consensus splice site. In summary, the currently available evidence indicates that the variant is pathogenic, but additional data are needed to prove that conclusively. Therefore, this variant has been classified as Likely Pathogenic.

Literature cited by the submitters: PubMed 16199547; PubMed 9837814; PubMed 11890679; PubMed 20647552; PubMed 20681997.

NM_004813.4(PEX16):c.888-2A>C

Gene: PEX16 (peroxisomal biogenesis factor 16; minus strand). Cytogenetic location: 11p11.2.
Variant type: single nucleotide variant.
Coding change: c.888-2A>C on transcript NM_004813.4 (MANE Select); the canonical splice acceptor site of the intron before coding-DNA position 888, A replaced by C.
Molecular consequence: splice acceptor variant.
Genome position (GRCh38, 1-based): chr11:45,910,964, T>G on the plus strand (A>C on the coding strand, the complement: PEX16 is on the minus strand). VCF-style: chr11-45910964-T-G. GRCh37 (hg19) VCF-style: chr11-45932515-T-G.
Other names: c.888-2A>C (NM_057174.3).
Identifiers: ClinVar variation 1480141 (VCV001480141.6), dbSNP rs2086772786, ClinGen allele CA380224726.
Genomic context (GRCh38, chr11:45,910,964, plus strand): 5'-CCAGGCCAACGCCAGGGACGTGGTCGGCCAGCAACTGGAGCAGGAAGAGGATCCTGGCCC[T>G]GGGGGAGGCAATAAATGGGGAGCAAGCTGAGTGGGGTGGGGGTGGGTCCCTGCAAACCAG-3'